The following is an entry in ClinVar:

ClinVar aggregate classification (germline): Uncertain significance (1 of 4 stars; one submission).

Submission:

Labcorp Genetics (formerly Invitae), Labcorp
Classification: Uncertain significance. Last evaluated: 2021-02-19. Review status: criteria provided, single submitter. Criteria: Invitae Variant Classification Sherloc (09022015). Collection method: clinical testing. Allele origin: germline.
Comment: This sequence change replaces glutamic acid with alanine at codon 3124 of the SZT2 protein (p.Glu3124Ala). The glutamic acid residue is highly conserved and there is a moderate physicochemical difference between glutamic acid and alanine. This variant is not present in population databases (ExAC no frequency). This variant has not been reported in the literature in individuals with SZT2-related conditions. ClinVar contains an entry for this variant (Variation ID: 855133). Algorithms developed to predict the effect of missense changes on protein structure and function are either unavailable or do not agree on the potential impact of this missense change (SIFT: "Deleterious"; PolyPhen-2: "Probably Damaging"; Align-GVGD: "Class C0"). In summary, the available evidence is currently insufficient to determine the role of this variant in disease. Therefore, it has been classified as a Variant of Uncertain Significance.

NM_001365999.1(SZT2):c.9542A>C (p.Glu3181Ala)

Genes: SZT2 (SZT2 subunit of KICSTOR complex; plus strand), SZT2-AS1 (SZT2 antisense RNA 1; minus strand). Cytogenetic location: 1p34.2.
Variant type: single nucleotide variant.
Coding change: c.9542A>C on transcript NM_001365999.1 (MANE Select); coding-DNA position 9542, A replaced by C.
Protein change: p.Glu3181Ala; replaces glutamic acid 3181 with alanine.
Molecular consequence: missense variant.
Genome position (GRCh38, 1-based): chr1:43,447,950, A>C. VCF-style: chr1-43447950-A-C. GRCh37 (hg19) VCF-style: chr1-43913621-A-C.
Other names: c.9371A>C, p.Glu3124Ala (NM_015284.4); short protein forms E3181A, E3124A.
Identifiers: ClinVar variation 855133 (VCV000855133.11), dbSNP rs1655882590, ClinGen allele CA340043652.